The following is an entry in ClinVar:

NM_000282.4(PCCA):c.468+148G>T

Gene: PCCA (propionyl-CoA carboxylase subunit alpha; plus strand). Cytogenetic location: 13q32.3.
Variant type: single nucleotide variant.
Coding change: c.468+148G>T on transcript NM_000282.4 (MANE Select); 148 bases into the intron after coding-DNA position 468, G replaced by T.
Molecular consequence: intron variant.
Genome position (GRCh38, 1-based): chr13:100,157,488, G>T. VCF-style: chr13-100157488-G-T. GRCh37 (hg19) VCF-style: chr13-100809742-G-T.
Other names: c.468+148G>T (NM_001178004.2, NM_001352605.2, NM_001352606.2 and 1 more transcripts); c.-399+148G>T (NM_001352610.2, NM_001352611.2, NM_001352612.2); c.390+148G>T (NM_001127692.3, NM_001352607.2, NM_001352608.2).
Identifiers: ClinVar variation 676943 (VCV000676943.2), dbSNP rs77295050, ClinGen allele CA255971046.
Genomic context (GRCh38, chr13:100,157,488, plus strand): 5'-TTATAGAATTTTAATTAACCCAGCAGTTCTTTGAAAATTGTGACAAGTGAAGTGGTTTTA[G>T]TCTGAAACTCAACTGTTTATTTGAAGAGTAATTATAAAAACAGAAAAGTTTACAAAATCA-3'

ClinVar aggregate classification (germline): Benign. Review status: criteria provided, multiple submitters, no conflicts (2 of 4 stars). 2 submissions from 2 submitters: Benign (2). Last evaluated 2018-06-14.

Allele frequency attached by ClinVar (database versions not stated): TOPMed 0.01918; 1000 Genomes Project 30x 0.02030; 1000 Genomes Project 0.01977.
gnomAD v4.1: 3,738 of 655,764 alleles (0.57%); highest among the groups gnomAD compares: African/African-American, 6%; 102 homozygotes.

Submissions (2):

GeneDx
Classification: Benign. Last evaluated: 2018-06-14. Review status: criteria provided, single submitter. Criteria: GeneDx Variant Classification (06012015). Collection method: clinical testing. Allele origin: germline. Affected: yes.
Comment: This variant is considered likely benign or benign based on one or more of the following criteria: it is a conservative change, it occurs at a poorly conserved position in the protein, it is predicted to be benign by multiple in silico algorithms, and/or has population frequency not consistent with disease.

Breakthrough Genomics
Classification: Benign. Review status: criteria provided, single submitter. Criteria: ACMG Guidelines, 2015. Collection method: not provided. Allele origin: germline. Inheritance: Autosomal recessive inheritance. Affected: yes.